The following is an entry in ClinVar:

ClinVar aggregate classification (germline): Pathogenic. Review status: reviewed by expert panel (3 of 4 stars). 2 submissions from 2 submitters: Pathogenic (1). 1 of the submissions does not count toward it. Last evaluated 2017-12-15.

Conditions:
Hereditary breast ovarian cancer syndrome. Also called: Hereditary breast and ovarian cancer syndrome (HBOC); BRCA1- and BRCA2-Associated Hereditary Breast and Ovarian Cancer; Hereditary breast and/or ovarian cancer syndrome; Hereditary breast and ovarian cancer syndrome; Hereditary breast and ovarian cancer; Breast and ovarian cancer. Identifiers: Orphanet 145, MedGen C0677776, MeSH D061325, MONDO:0003582. Disease mechanism: loss of function.
Breast-ovarian cancer, familial, susceptibility to, 1 (BROVCA1). Also called: BRCA1 Hereditary Breast and Ovarian Cancer; OVARIAN CANCER, SUSCEPTIBILITY TO. Identifiers: Orphanet 145, MedGen C2676676, MONDO:0011450, OMIM 604370. Disease mechanism: loss of function.

Submissions (2):

Evidence-based Network for the Interpretation of Germline Mutant Alleles (ENIGMA)
Classification: Pathogenic for Breast-ovarian cancer, familial, susceptibility to, 1. Last evaluated: 2017-12-15. Review status: reviewed by expert panel. Criteria: ENIGMA BRCA1/2 Classification Criteria (2017-06-29). Collection method: curation. Allele origin: germline. Study: ENIGMA.
Comment: Variant allele predicted to encode a truncated non-functional protein.

Research Molecular Genetics Laboratory, Women's College Hospital, University of Toronto
Classification: Pathogenic for Hereditary breast ovarian cancer syndrome. Last evaluated: 2014-01-31. Review status: no assertion criteria provided. Collection method: research. Allele origin: germline. Affected: yes. Study: The Canadian Open Genetics Repository (COGR). Not counted in ClinVar's aggregate classification.

NM_007294.4(BRCA1):c.3754_3755del (p.Leu1252fs)

Genes: BRCA1 (BRCA1 DNA repair associated; minus strand), LOC126862571 (BRD4-independent group 4 enhancer GRCh37_chr17:41243136-41244335; plus strand). Cytogenetic location: 17q21.31.
Variant type: Deletion.
Coding change: c.3754_3755del on transcript NM_007294.4 (MANE Select); coding-DNA positions 3754 to 3755, 2 bases deleted (CT; older notation c.3754_3755delCT).
Protein change: p.Leu1252fs; shifts the reading frame from leucine 1252.
Molecular consequence: frameshift variant. On other transcripts: intron variant (135).
Genome position (GRCh38, 1-based): chr17:43,091,776-43,091,777, AG deleted on the plus strand (CT on the coding strand, the reverse complement: BRCA1 is on the minus strand); deleting any 2 consecutive bases within chr17:43,091,776-43,091,778 gives the same sequence; the c. name uses the placement nearest the transcript's 3' end. VCF-style (leftmost placement, unchanged base first): chr17-43091775-CAG-C. GRCh37 (hg19) VCF-style: chr17-41243792-CAG-C.
Other names: c.3754_3755delCT (NM_007294.3); c.3541_3542del, p.Leu1181fs (NM_001407571.1, NM_001407915.1, NM_001407916.1 and 9 more transcripts); c.3754_3755del, p.Leu1252fs (NM_001407581.1, NM_001407582.1, NM_001407583.1 and 30 more transcripts); c.3751_3752del, p.Leu1251fs (NM_001407587.1, NM_001407590.1, NM_001407591.1 and 22 more transcripts); c.3745_3746del, p.Leu1249fs (NM_001407646.1, NM_001407647.1); c.3673_3674del, p.Leu1225fs (NM_001407659.1, NM_001407660.1, NM_001407661.1 and 1 more transcripts); c.3676_3677del, p.Leu1226fs (NM_001407663.1, NM_001407653.1, NM_001407654.1 and 4 more transcripts); c.3631_3632del, p.Leu1211fs (NM_001407664.1, NM_001407665.1, NM_001407666.1 and 19 more transcripts); and 42 more; short protein forms L1252fs, L1205fs, L1124fs, L1164fs, L1210fs, L1163fs, L1185fs, L1204fs.
Identifiers: ClinVar variation 431252 (VCV000431252.2), dbSNP rs1135401866, ClinGen allele CA645373174.